The following is an entry in ClinVar:

NM_015512.5(DNAH1):c.7487G>T (p.Cys2496Phe)

Gene: DNAH1 (dynein axonemal heavy chain 1; plus strand). Cytogenetic location: 3p21.1.
Variant type: single nucleotide variant.
Coding change: c.7487G>T on transcript NM_015512.5 (MANE Select); coding-DNA position 7487, G replaced by T.
Protein change: p.Cys2496Phe; replaces cysteine 2496 with phenylalanine.
Molecular consequence: missense variant.
Genome position (GRCh38, 1-based): chr3:52,380,014, G>T. VCF-style: chr3-52380014-G-T. GRCh37 (hg19) VCF-style: chr3-52414030-G-T.
Other names: short protein forms C2496F.
Identifiers: ClinVar variation 1399280 (VCV001399280.5), dbSNP rs747106981, ClinGen allele CA2434899.

ClinVar aggregate classification (germline): Uncertain significance (1 of 4 stars; one submission).

Conditions:
Spermatogenic failure 18. Identifiers: MedGen C4539783, MONDO:0054615, OMIM 617576.
Ciliary dyskinesia, primary, 37 (CILD37). Also called: CILIARY DYSKINESIA, PRIMARY, 37, WITH OR WITHOUT SITUS INVERSUS. Identifiers: MedGen C4539798, MONDO:0033204, OMIM 617577.

Allele frequency attached by ClinVar (database versions not stated): gnomAD exomes below 0.00001; TOPMed below 0.00001; gnomAD 0.00001; ExAC 0.00002.
gnomAD v4.1: 5 of 1,594,750 alleles (0.00031%); highest among the groups gnomAD compares: Non-Finnish European, 0.00043%; no homozygotes.

Submission:

Labcorp Genetics (formerly Invitae), Labcorp
Classification: Uncertain significance for Ciliary dyskinesia, primary, 37; Spermatogenic failure 18. Last evaluated: 2021-09-01. Review status: criteria provided, single submitter. Criteria: Invitae Variant Classification Sherloc (09022015). Collection method: clinical testing. Allele origin: germline.
Comment: This sequence change replaces cysteine with phenylalanine at codon 2496 of the DNAH1 protein (p.Cys2496Phe). The cysteine residue is weakly conserved and there is a large physicochemical difference between cysteine and phenylalanine. This variant is present in population databases (rs747106981, ExAC 0.004%). This variant has not been reported in the literature in individuals affected with DNAH1-related conditions. Algorithms developed to predict the effect of missense changes on protein structure and function (SIFT, PolyPhen-2, Align-GVGD) all suggest that this variant is likely to be tolerated. In summary, the available evidence is currently insufficient to determine the role of this variant in disease. Therefore, it has been classified as a Variant of Uncertain Significance.